The following is an entry in ClinVar:

NM_030665.4(RAI1):c.2622A>G (p.Leu874=)

Gene: RAI1 (retinoic acid induced 1; plus strand). Cytogenetic location: 17p11.2.
Variant type: single nucleotide variant.
Coding change: c.2622A>G on transcript NM_030665.4 (MANE Select); coding-DNA position 2622, A replaced by G.
Protein change: p.Leu874=; no amino-acid change (leucine 874 retained).
Molecular consequence: synonymous variant.
Genome position (GRCh38, 1-based): chr17:17,795,570, A>G. VCF-style: chr17-17795570-A-G. GRCh37 (hg19) VCF-style: chr17-17698884-A-G.
Identifiers: ClinVar variation 588840 (VCV000588840.19), dbSNP rs140455907, ClinGen allele CA8418571.

ClinVar aggregate classification (germline): Benign/Likely benign. Review status: criteria provided, multiple submitters, no conflicts (2 of 4 stars). 5 submissions from 5 submitters: Benign (2); Likely benign (2). 1 of the submissions does not count toward it. Last evaluated 2025-10-26.

Conditions:
RAI1-related disorder. Also called: RAI1-related condition.
Inborn genetic diseases. Identifiers: MedGen C0950123, MeSH D030342.

Allele frequency attached by ClinVar (database versions not stated): gnomAD exomes 0.00014; 1000 Genomes Project 30x 0.00016; 1000 Genomes Project 0.00020; ESP Exome Variant Server 0.00023; ExAC 0.00027; gnomAD 0.00037 and 0.00041; TOPMed 0.00037.
gnomAD v4.1: 140 of 1,611,106 alleles (0.0087%); highest among the groups gnomAD compares: African/African-American, 0.14%; no homozygotes.

Submissions (5):

Labcorp Genetics (formerly Invitae), Labcorp
Classification: Benign. Last evaluated: 2025-10-26. Review status: criteria provided, single submitter. Criteria: Invitae Variant Classification Sherloc (09022015). Collection method: clinical testing. Allele origin: germline.

Blueprint Genetics
Classification: Likely benign. Last evaluated: 2023-11-07. Review status: criteria provided, single submitter. Criteria: ACMG Guidelines, 2015. Collection method: clinical testing. Allele origin: germline.

GeneDx
Classification: Benign. Last evaluated: 2020-03-23. Review status: criteria provided, single submitter. Criteria: GeneDx Variant Classification Process June 2021. Collection method: clinical testing. Allele origin: germline. Affected: yes.

Ambry Genetics
Classification: Likely benign for Inborn genetic diseases. Last evaluated: 2017-02-23. Review status: criteria provided, single submitter. Criteria: Ambry Variant Classification Scheme 2023. Collection method: clinical testing. Allele origin: germline.

PreventionGenetics, part of Exact Sciences
Classification: Likely benign for RAI1-related condition. Last evaluated: 2021-04-06. Review status: no assertion criteria provided. Collection method: clinical testing. Allele origin: germline. Not counted in ClinVar's aggregate classification.
Comment: This variant is classified as likely benign based on ACMG/AMP sequence variant interpretation guidelines (Richards et al. 2015 PMID: 25741868, with internal and published modifications).